The following is an entry in ClinVar:

ClinVar aggregate classification (germline): Uncertain significance. Review status: criteria provided, single submitter (1 of 4 stars). 2 submissions from 2 submitters: Uncertain significance (1). 1 of the submissions does not count toward it. Last evaluated 2020-08-03.

Conditions:
Gaucher disease. Also called: Acute cerebral Gaucher disease; Cerebroside lipidosis syndrome; Gaucher splenomegaly; Sphingolipidosis 1; Glucocerebrosidosis; Glucosylceramidase deficiency. Identifiers: Orphanet 355, MedGen C0017205, MONDO:0018150.

Allele frequency attached by ClinVar (database versions not stated): gnomAD 0.00002 and 0.00005; TOPMed 0.00002; gnomAD exomes 0.00008 and 0.00018; 1000 Genomes Project 30x 0.00016; ExAC 0.00017; 1000 Genomes Project 0.00020.
gnomAD v4.1: 122 of 1,613,928 alleles (0.0076%); highest among the groups gnomAD compares: South Asian, 0.1%; no homozygotes.

Submissions (2):

Women's Health and Genetics/Laboratory Corporation of America, LabCorp
Classification: Uncertain significance. Last evaluated: 2020-08-03. Review status: criteria provided, single submitter. Criteria: LabCorp Variant Classification Summary - May 2015. Collection method: clinical testing. Allele origin: germline.
Comment: Variant summary: GBA c.941A>G (p.Asn314Ser) results in a conservative amino acid change located in the Glycosyl hydrolase family 30, TIM-barrel domain (IPR033453) of the encoded protein sequence. Four of five in-silico tools predict a benign effect of the variant on protein function. The variant allele was found at a frequency of 0.00018 in 251164 control chromosomes, predominantly at a frequency of 0.0014 within the South Asian subpopulation in the gnomAD database. This frequency is not significantly higher than expected for a pathogenic variant in GBA causing Gaucher Disease (0.0014 vs 0.005), allowing no conclusion about variant significance. To our knowledge, no occurrence of c.941A>G in individuals affected with Gaucher Disease and no experimental evidence demonstrating its impact on protein function have been reported. No clinical diagnostic laboratories have submitted clinical-significance assessments for this variant to ClinVar after 2014. Based on the evidence outlined above, the variant was classified as uncertain significance.

Natera, Inc.
Classification: Uncertain significance for Gaucher disease. Last evaluated: 2018-10-29. Review status: no assertion criteria provided. Collection method: clinical testing. Allele origin: germline. Not counted in ClinVar's aggregate classification.

NM_000157.4(GBA1):c.941A>G (p.Asn314Ser)

Genes: GBA1 (glucosylceramidase beta 1; minus strand), LOC106627981 (GBA recombination region; plus strand). Cytogenetic location: 1q22.
Variant type: single nucleotide variant.
Coding change: c.941A>G on transcript NM_000157.4 (MANE Select); coding-DNA position 941, A replaced by G.
Protein change: p.Asn314Ser; replaces asparagine 314 with serine.
Molecular consequence: missense variant.
Genome position (GRCh38, 1-based): chr1:155,237,399, T>C on the plus strand (A>G on the coding strand, the complement: GBA1 is on the minus strand). VCF-style: chr1-155237399-T-C. GRCh37 (hg19) VCF-style: chr1-155207190-T-C.
Other names: c.941A>G, p.Asn314Ser (NM_001005741.3, NM_001005742.3); c.680A>G, p.Asn227Ser (NM_001171811.2); c.794A>G, p.Asn265Ser (NM_001171812.2); short protein forms N227S, N265S, N314S.
Identifiers: ClinVar variation 977685 (VCV000977685.3), dbSNP rs535896234, ClinGen allele CA1141654.